The following is an entry in ClinVar:

NM_003238.6(TGFB2):c.831G>T (p.Lys277Asn)

Gene: TGFB2 (transforming growth factor beta 2; plus strand). Cytogenetic location: 1q41.
Variant type: single nucleotide variant.
Coding change: c.831G>T on transcript NM_003238.6 (MANE Select); coding-DNA position 831, G replaced by T.
Protein change: p.Lys277Asn; replaces lysine 277 with asparagine.
Molecular consequence: missense variant.
Genome position (GRCh38, 1-based): chr1:218,436,046, G>T. VCF-style: chr1-218436046-G-T. GRCh37 (hg19) VCF-style: chr1-218609388-G-T.
Other names: c.915G>T, p.Lys305Asn (NM_001135599.4); short protein forms K277N, K305N.
Identifiers: ClinVar variation 1022652 (VCV001022652.10), dbSNP rs1304484008, ClinGen allele CA344727156.

ClinVar aggregate classification (germline): Uncertain significance (1 of 4 stars; one submission).

Conditions:
Loeys-Dietz syndrome 4 (LDS4). Also called: ANEURYSM, AORTIC AND CEREBRAL, WITH ARTERIAL TORTUOSITY AND SKELETAL MANIFESTATIONS; TGFB2-Related Loeys-Dietz Syndrome. Identifiers: MedGen C3553762, MONDO:0013897, OMIM 614816.

Allele frequency attached by ClinVar (database versions not stated): gnomAD exomes below 0.00001.

Submission:

Labcorp Genetics (formerly Invitae), Labcorp
Classification: Uncertain significance for Loeys-Dietz syndrome 4. Last evaluated: 2024-06-09. Review status: criteria provided, single submitter. Criteria: Invitae Variant Classification Sherloc (09022015). Collection method: clinical testing. Allele origin: germline.
Comment: This sequence change replaces lysine, which is basic and polar, with asparagine, which is neutral and polar, at codon 277 of the TGFB2 protein (p.Lys277Asn). This variant is present in population databases (no rsID available, gnomAD 0.003%). This variant has not been reported in the literature in individuals affected with TGFB2-related conditions. ClinVar contains an entry for this variant (Variation ID: 1022652). Advanced modeling of protein sequence and biophysical properties (such as structural, functional, and spatial information, amino acid conservation, physicochemical variation, residue mobility, and thermodynamic stability) performed at Invitae indicates that this missense variant is not expected to disrupt TGFB2 protein function with a negative predictive value of 80%. Algorithms developed to predict the effect of sequence changes on RNA splicing suggest that this variant may disrupt the consensus splice site. In summary, the available evidence is currently insufficient to determine the role of this variant in disease. Therefore, it has been classified as a Variant of Uncertain Significance.